The following is an entry in ClinVar:

NM_001287.6(CLCN7):c.912del (p.Val305fs)

Gene: CLCN7 (Cl-/H+ antiporter 7; minus strand). Cytogenetic location: 16p13.3.
Variant type: Deletion.
Coding change: c.912del on transcript NM_001287.6 (MANE Select); coding-DNA position 912, one base deleted (C; older notation c.912delC).
Protein change: p.Val305fs; shifts the reading frame from valine 305.
Molecular consequence: frameshift variant.
Genome position (GRCh38, 1-based): chr16:1,456,117, G deleted on the plus strand (C on the coding strand, the reverse complement: CLCN7 is on the minus strand); the first of 5 consecutive G bases (chr16:1,456,117-1,456,121); deleting any one gives the same sequence. VCF-style (leftmost placement, unchanged base first): chr16-1456116-CG-C. GRCh37 (hg19) VCF-style: chr16-1506117-CG-C.
Other names: c.840del, p.Val281fs (NM_001114331.3); short protein forms V281fs, V305fs.
Identifiers: ClinVar variation 4855282 (VCV004855282.1).

ClinVar aggregate classification (germline): Pathogenic (1 of 4 stars; one submission).

Conditions:
Autosomal recessive osteopetrosis 4. Also called: infantile malignant CLCN7-related recessive osteopetrosis; CLCN7-Related Osteopetrosis. Identifiers: Orphanet 667, MedGen C1969106, MONDO:0012676, OMIM 611490.

Submission:

3billion
Classification: Pathogenic for Autosomal recessive osteopetrosis 4. Last evaluated: 2025-11-04. Review status: criteria provided, single submitter. Criteria: ACMG Guidelines, 2015. Collection method: clinical testing. Allele origin: germline. Affected: yes.
Comment: The variant is not observed in the gnomAD v4.1.0 dataset. Predicted Consequence/Location: Frameshift: predicted to result in a loss or disruption of normal protein function through nonsense-mediated decay (NMD) or protein truncation. Multiple pathogenic variants are reported downstream of the variant. The variant has been reported to be associated with CLCN7-related disorder (3billion dataset). Therefore, this variant is classified as Pathogenic according to the recommendation of ACMG/AMP guideline.